The following is an entry in ClinVar:

ClinVar aggregate classification (germline): Likely pathogenic. Review status: criteria provided, multiple submitters, no conflicts (2 of 4 stars). 4 submissions from 4 submitters: Likely pathogenic (2). 2 of the submissions do not count toward it. Last evaluated 2025-04-28.

Conditions:
TCTN3-related disorder. Also called: TCTN3-related condition.
Orofacial-digital syndrome IV (OFD4). Also called: Orofaciodigital syndrome IV; MOHR-MAJEWSKI SYNDROME; BARAITSER-BURN SYNDROME; OFD SYNDROME WITH TIBIAL DEFECTS; OFD SYNDROME, BARAITSER-BURN TYPE; OFDS IV. Identifiers: Orphanet 2753, MedGen C0406727, MONDO:0009794, OMIM 258860.
Joubert syndrome 18 (JBTS18). Identifiers: Orphanet 2754, MedGen C3553758, MONDO:0013896, OMIM 614815.

Allele frequency attached by ClinVar (database versions not stated): gnomAD 0.00001; gnomAD exomes 0.00001.
gnomAD v4.1: 4 of 1,612,728 alleles (0.00025%); highest among the groups gnomAD compares: Non-Finnish European, 0.00034%; no homozygotes.

Submissions (4):

Labcorp Genetics (formerly Invitae), Labcorp
Classification: Likely pathogenic for Joubert syndrome 18; Orofacial-digital syndrome IV. Last evaluated: 2025-04-28. Review status: criteria provided, single submitter. Criteria: Invitae Variant Classification Sherloc (09022015). Collection method: clinical testing. Allele origin: germline.
Comment: This sequence change affects a donor splice site in intron 4 of the TCTN3 gene. It is expected to disrupt RNA splicing. Variants that disrupt the donor or acceptor splice site typically lead to a loss of protein function (PMID: 16199547), and loss-of-function variants in TCTN3 are known to be pathogenic (PMID: 2692869, 22883145, 25118024). This variant is not present in population databases (gnomAD no frequency). This variant has not been reported in the literature in individuals affected with TCTN3-related conditions. ClinVar contains an entry for this variant (Variation ID: 591461). Algorithms developed to predict the effect of sequence changes on RNA splicing suggest that this variant may disrupt the consensus splice site. In summary, the currently available evidence indicates that the variant is pathogenic, but additional data are needed to prove that conclusively. Therefore, this variant has been classified as Likely Pathogenic.

Blueprint Genetics
Classification: Likely pathogenic for TCTN3-related disorders. Last evaluated: 2024-09-06. Review status: criteria provided, single submitter. Criteria: ACMG Guidelines, 2015. Collection method: clinical testing. Allele origin: germline. Affected: yes. Observed: 1 variant allele.

PreventionGenetics, part of Exact Sciences
Classification: Likely pathogenic for TCTN3-related condition. Last evaluated: 2024-01-05. Review status: no assertion criteria provided. Collection method: clinical testing. Allele origin: germline. Not counted in ClinVar's aggregate classification.
Comment: The TCTN3 c.627+1G>A variant is predicted to disrupt the GT donor site and interfere with normal splicing. To our knowledge, this variant has not been reported in the literature or in a large population database, indicating this variant is rare. Variants that disrupt the consensus splice donor site in TCTN3 are expected to be pathogenic. This variant is interpreted as likely pathogenic.

Gharavi Laboratory, Columbia University
Classification: Uncertain significance. Last evaluated: 2018-09-16. Review status: no assertion criteria provided. Criteria: ACMG Guidelines, 2015. Collection method: research. Allele origin: germline. Affected: yes. Not counted in ClinVar's aggregate classification.

Literature cited by the submitters: PubMed 16199547 (cited by Labcorp Genetics (formerly Invitae), Labcorp); PubMed 2692869 (cited by Labcorp Genetics (formerly Invitae), Labcorp); PubMed 22883145 (cited by Labcorp Genetics (formerly Invitae), Labcorp); PubMed 25118024 (cited by Labcorp Genetics (formerly Invitae), Labcorp).

NM_015631.6(TCTN3):c.627+1G>A

Gene: TCTN3 (tectonic family member 3; minus strand). Cytogenetic location: 10q24.1.
Variant type: single nucleotide variant.
Coding change: c.627+1G>A on transcript NM_015631.6 (MANE Select); the canonical splice donor site of the intron after coding-DNA position 627, G replaced by A.
Molecular consequence: splice donor variant. On other transcripts: intron variant (1).
Genome position (GRCh38, 1-based): chr10:95,687,591, C>T on the plus strand (G>A on the coding strand, the complement: TCTN3 is on the minus strand). VCF-style: chr10-95687591-C-T. GRCh37 (hg19) VCF-style: chr10-97447348-C-T.
Other names: c.500-432G>A (NM_001143973.2); c.627+1G>A (NM_001410982.1, NM_015631.5).
Identifiers: ClinVar variation 591461 (VCV000591461.9), dbSNP rs1566074908, ClinGen allele CA377708266.